The following is an entry in ClinVar:

ClinVar aggregate classification (germline): Uncertain significance (1 of 4 stars; one submission).

Submission:

GeneDx
Classification: Uncertain significance. Last evaluated: 2023-03-09. Review status: criteria provided, single submitter. Criteria: GeneDx Variant Classification Process June 2021. Collection method: clinical testing. Allele origin: germline. Affected: yes.
Comment: Not observed at significant frequency in large population cohorts (gnomAD); In silico analysis supports that this missense variant has a deleterious effect on protein structure/function; Has not been previously published as pathogenic or benign to our knowledge

NM_006796.3(AFG3L2):c.1028G>T (p.Gly343Val)

Gene: AFG3L2 (AFG3 like matrix AAA peptidase subunit 2; minus strand). Cytogenetic location: 18p11.21.
Variant type: single nucleotide variant.
Coding change: c.1028G>T on transcript NM_006796.3 (MANE Select); coding-DNA position 1028, G replaced by T.
Protein change: p.Gly343Val; replaces glycine 343 with valine.
Molecular consequence: missense variant.
Genome position (GRCh38, 1-based): chr18:12,356,830, C>A on the plus strand (G>T on the coding strand, the complement: AFG3L2 is on the minus strand). VCF-style: chr18-12356830-C-A. GRCh37 (hg19) VCF-style: chr18-12356829-C-A.
Other names: short protein forms G343V.
Identifiers: ClinVar variation 2579553 (VCV002579553.1), dbSNP rs2510229623, ClinGen allele CA401953341.